The following is an entry in ClinVar:

ClinVar aggregate classification (germline): Uncertain significance (1 of 4 stars; one submission).

Submission:

Labcorp Genetics (formerly Invitae), Labcorp
Classification: Uncertain significance. Last evaluated: 2022-10-23. Review status: criteria provided, single submitter. Criteria: Invitae Variant Classification Sherloc (09022015). Collection method: clinical testing. Allele origin: germline.
Comment: This missense change has been observed in individual(s) with oculocutaneous albinism (Invitae). In summary, the available evidence is currently insufficient to determine the role of this variant in disease. Therefore, it has been classified as a Variant of Uncertain Significance. Advanced modeling of protein sequence and biophysical properties (such as structural, functional, and spatial information, amino acid conservation, physicochemical variation, residue mobility, and thermodynamic stability) performed at Invitae indicates that this missense variant is expected to disrupt OCA2 protein function. This variant is not present in population databases (gnomAD no frequency). This sequence change replaces serine, which is neutral and polar, with tyrosine, which is neutral and polar, at codon 820 of the OCA2 protein (p.Ser820Tyr).

NM_000275.3(OCA2):c.2459C>A (p.Ser820Tyr)

Gene: OCA2 (OCA2 melanosomal transmembrane protein; minus strand). Cytogenetic location: 15q12.
Variant type: single nucleotide variant.
Coding change: c.2459C>A on transcript NM_000275.3 (MANE Select); coding-DNA position 2459, C replaced by A.
Protein change: p.Ser820Tyr; replaces serine 820 with tyrosine.
Molecular consequence: missense variant.
Genome position (GRCh38, 1-based): chr15:27,755,446, G>T on the plus strand (C>A on the coding strand, the complement: OCA2 is on the minus strand). VCF-style: chr15-27755446-G-T. GRCh37 (hg19) VCF-style: chr15-28000592-G-T.
Other names: c.2387C>A, p.Ser796Tyr (NM_001300984.2); short protein forms S796Y, S820Y.
Identifiers: ClinVar variation 1721787 (VCV001721787.5), dbSNP rs2150970728, ClinGen allele CA391470160.